The following is an entry in ClinVar:

NM_001244008.2(KIF1A):c.3101G>T (p.Arg1034Leu)

Gene: KIF1A (kinesin family member 1A; minus strand). Cytogenetic location: 2q37.3.
Variant type: single nucleotide variant.
Coding change: c.3101G>T on transcript NM_001244008.2 (MANE Select); coding-DNA position 3101, G replaced by T.
Protein change: p.Arg1034Leu; replaces arginine 1034 with leucine.
Molecular consequence: missense variant.
Genome position (GRCh38, 1-based): chr2:240,746,140, C>A on the plus strand (G>T on the coding strand, the complement: KIF1A is on the minus strand). VCF-style: chr2-240746140-C-A. GRCh37 (hg19) VCF-style: chr2-241685557-C-A.
Other names: c.2825G>T, p.Arg942Leu (NM_001320705.2, NM_001330289.2, NM_001379638.1); c.2900G>T, p.Arg967Leu (NM_001330290.2, NM_001379634.1, NM_001379635.1 and 1 more transcripts); c.3176G>T, p.Arg1059Leu (NM_001379631.1); c.3050G>T, p.Arg1017Leu (NM_001379632.1); c.3074G>T, p.Arg1025Leu (NM_001379633.1, NM_001379642.1, NM_001379645.1); c.2798G>T, p.Arg933Leu (NM_001379636.1, NM_001379639.1, NM_001379640.1 and 6 more transcripts); c.2873G>T, p.Arg958Leu (NM_001379637.1, NM_001379648.1); short protein forms R1034L, R933L, R942L, R967L, R1017L, R1025L, R1059L, R958L.
Identifiers: ClinVar variation 245934 (VCV000245934.9), dbSNP rs375775494, ClinGen allele CA10584191.

ClinVar aggregate classification (germline): Uncertain significance. Review status: criteria provided, multiple submitters, no conflicts (2 of 4 stars). 2 submissions from 2 submitters: Uncertain significance (2). Last evaluated 2025-08-11.

Conditions:
Hereditary spastic paraplegia 30. Identifiers: Orphanet 101010, MedGen C5235139, MONDO:0012476.
Neuropathy, hereditary sensory, type 2C. Also called: Hereditary sensory and autonomic neuropathy type IIC; KIF1A-Related HSAN2 (HSAN2C). Identifiers: Orphanet 970, MedGen C3280168, MONDO:0013634, OMIM 614213.
Intellectual disability, autosomal dominant 9 (NESCAVS). Also called: KIF1A-Related Neurodevelopmental Disorder; NESCAV SYNDROME. Identifiers: Orphanet 662367, MedGen C5393830, MONDO:0013656, OMIM 614255.

Submissions (2):

Labcorp Genetics (formerly Invitae), Labcorp
Classification: Uncertain significance for Hereditary spastic paraplegia 30; Neuropathy, hereditary sensory, type 2C; Intellectual disability, autosomal dominant 9. Last evaluated: 2025-08-11. Review status: criteria provided, single submitter. Criteria: Invitae Variant Classification Sherloc (09022015). Collection method: clinical testing. Allele origin: germline.
Comment: This sequence change replaces arginine, which is basic and polar, with leucine, which is neutral and non-polar, at codon 933 of the KIF1A protein (p.Arg933Leu). This variant is not present in population databases (gnomAD no frequency). This variant has not been reported in the literature in individuals affected with KIF1A-related conditions. ClinVar contains an entry for this variant (Variation ID: 245934). Invitae Evidence Modeling of protein sequence and biophysical properties (such as structural, functional, and spatial information, amino acid conservation, physicochemical variation, residue mobility, and thermodynamic stability) has been performed for this missense variant. However, the output from this modeling did not meet the statistical confidence thresholds required to predict the impact of this variant on KIF1A protein function. In summary, the available evidence is currently insufficient to determine the role of this variant in disease. Therefore, it has been classified as a Variant of Uncertain Significance.

GeneDx
Classification: Uncertain significance. Last evaluated: 2019-09-23. Review status: criteria provided, single submitter. Criteria: GeneDx Variant Classification Process June 2021. Collection method: clinical testing. Allele origin: germline. Affected: yes.
Comment: In silico analysis, which includes protein predictors and evolutionary conservation, supports a deleterious effect; Has not been previously published as pathogenic or benign to our knowledge; No data available from control populations to assess the frequency of this variant